The following is an entry in ClinVar:

ClinVar aggregate classification (germline): Pathogenic (1 of 4 stars; one submission).

Conditions:
Adams-Oliver syndrome 2 (AOS2). Identifiers: Orphanet 974, MedGen C3280182, MONDO:0013635, OMIM 614219.

Submission:

3billion
Classification: Pathogenic for Adams-Oliver syndrome 2. Last evaluated: 2021-10-02. Review status: criteria provided, single submitter. Criteria: ACMG Guidelines, 2015. Collection method: clinical testing. Allele origin: paternal. Affected: yes. Observed: 1 heterozygote.
Comment: Stop-gained (nonsense): predicted to result in a loss or disruption of normal protein function through nonsense-mediated decay (NMD) or protein truncation. Multiple pathogenic variants are reported downstream of the variant (PVS1_VS). It is not observed in the gnomAD v2.1.1 dataset (PM2). The variant was observed in trans with a pathogenic variant (NM_020812.3: c.1300del) as compound heterozygous (3billion dataset, PM3). Therefore, this variant is classified as pathogenic according to the recommendation of ACMG/AMP guideline.

NM_020812.4(DOCK6):c.1396C>T (p.Arg466Ter)

Gene: DOCK6 (dedicator of cytokinesis 6; minus strand). Cytogenetic location: 19p13.2.
Variant type: single nucleotide variant.
Coding change: c.1396C>T on transcript NM_020812.4 (MANE Select); coding-DNA position 1396, C replaced by T.
Protein change: p.Arg466Ter; replaces arginine 466 with a stop codon.
Molecular consequence: nonsense.
Genome position (GRCh38, 1-based): chr19:11,243,143, G>A on the plus strand (C>T on the coding strand, the complement: DOCK6 is on the minus strand). VCF-style: chr19-11243143-G-A. GRCh37 (hg19) VCF-style: chr19-11353819-G-A.
Other names: c.1396C>T, p.Arg466Ter (NM_001367830.1); short protein forms R466*.
Identifiers: ClinVar variation 1320059 (VCV001320059.1), dbSNP rs1198436520, ClinGen allele CA404108781.